The following is an entry in ClinVar:

NM_005535.3(IL12RB1):c.596C>G (p.Pro199Arg)

Gene: IL12RB1 (interleukin 12 receptor subunit beta 1; minus strand). Cytogenetic location: 19p13.11.
Variant type: single nucleotide variant.
Coding change: c.596C>G on transcript NM_005535.3 (MANE Select); coding-DNA position 596, C replaced by G.
Protein change: p.Pro199Arg; replaces proline 199 with arginine.
Molecular consequence: missense variant.
Genome position (GRCh38, 1-based): chr19:18,075,853, G>C on the plus strand (C>G on the coding strand, the complement: IL12RB1 is on the minus strand). VCF-style: chr19-18075853-G-C. GRCh37 (hg19) VCF-style: chr19-18186663-G-C.
Other names: c.596C>G, p.Pro199Arg (NM_001290023.2, NM_153701.3); c.716C>G, p.Pro239Arg (NM_001290024.2); short protein forms P199R, P239R.
Identifiers: ClinVar variation 1509721 (VCV001509721.5), dbSNP rs201652727, ClinGen allele CA9305142.

ClinVar aggregate classification (germline): Uncertain significance (1 of 4 stars; one submission).

Conditions:
Mendelian susceptibility to mycobacterial diseases due to complete IL12RB1 deficiency. Also called: IL12RB1 DEFICIENCY; Immunodeficiency 30. Identifiers: Orphanet 319552, MedGen C4013949, MONDO:0013955, OMIM 614891.

Allele frequency attached by ClinVar (database versions not stated): TOPMed 0.00003; ExAC 0.00004; gnomAD exomes 0.00004 and 0.00014; gnomAD 0.00006 and 0.00007; ESP Exome Variant Server 0.00008.
gnomAD v4.1: 203 of 1,613,228 alleles (0.013%); highest among the groups gnomAD compares: Non-Finnish European, 0.017%; no homozygotes.

Submission:

Labcorp Genetics (formerly Invitae), Labcorp
Classification: Uncertain significance for Mendelian susceptibility to mycobacterial diseases due to complete IL12RB1 deficiency. Last evaluated: 2021-09-01. Review status: criteria provided, single submitter. Criteria: Invitae Variant Classification Sherloc (09022015). Collection method: clinical testing. Allele origin: germline.
Comment: This sequence change replaces proline with arginine at codon 199 of the IL12RB1 protein (p.Pro199Arg). The proline residue is highly conserved and there is a moderate physicochemical difference between proline and arginine. This variant is present in population databases (rs201652727, ExAC 0.008%). This variant has not been reported in the literature in individuals affected with IL12RB1-related conditions. Algorithms developed to predict the effect of missense changes on protein structure and function are either unavailable or do not agree on the potential impact of this missense change (SIFT: "Tolerated"; PolyPhen-2: "Probably Damaging"; Align-GVGD: "Class C0"). In summary, the available evidence is currently insufficient to determine the role of this variant in disease. Therefore, it has been classified as a Variant of Uncertain Significance.